The following continues an entry in ClinVar:

NM_000277.3(PAH):c.782G>A (p.Arg261Gln)

Gene: PAH. ClinVar aggregate classification (germline): Pathogenic. Pathogenic (1).

Submissions 11 to 27 of 39:

OLLIN Analises Genomicas, OLLIN
Classification: Pathogenic for Phenylketonuria. Last evaluated: 2025-04-03. Review status: criteria provided, single submitter. Criteria: ACMG Guidelines 2015 PMID 25741868. Collection method: clinical testing. Allele origin: germline. Affected: yes. Observed: 1 variant allele. Not counted in ClinVar's aggregate classification.
Comment: The missense variant (chr12:102852875C>T), located in exon 7 (of 13), is reported in ClinVar (VCV000000582.160), in gnomAD v4.1 non-UKB with an allele frequency of 0.03%, and in the scientific literature, both in homozygous and compound heterozygous states, in individuals with phenylketonuria (PMID 25596310, 17935162). This variant is in a known mutational hotspot. In silico analysis, as well as functional studies, suggest that this variant affects protein function (PMID: 2014036, 25596310). According to the currently available evidence and the specific ClinGen criteria for the gene (PMID: 30311390), this variant has been classified as pathogenic (PS3_P, PM1, PM3_VS, PP4).

Genomic Medicine Center of Excellence, King Faisal Specialist Hospital and Research Centre
Classification: Pathogenic for Phenylketonuria. Last evaluated: 2024-12-17. Review status: criteria provided, single submitter. Criteria: ACMG Guidelines, 2015. Collection method: clinical testing. Allele origin: germline. Not counted in ClinVar's aggregate classification.

Blueprint Genetics
Classification: Pathogenic for PAH-related disorders. Last evaluated: 2024-11-18. Review status: criteria provided, single submitter. Criteria: ACMG Guidelines, 2015. Collection method: clinical testing. Allele origin: germline. Affected: yes. Observed: 5 variant alleles. Not counted in ClinVar's aggregate classification.

Victorian Clinical Genetics Services, Murdoch Childrens Research Institute
Classification: Pathogenic for Phenylketonuria. Last evaluated: 2024-10-09. Review status: criteria provided, single submitter. Criteria: ACMG Guidelines, 2015. Collection method: clinical testing. Allele origin: germline. Inheritance: Autosomal recessive inheritance. Affected: yes. Not counted in ClinVar's aggregate classification.
Comment: Based on the classification scheme VCGS_Germline_v1.3.4, this variant is classified as Pathogenic. Following criteria are met: 0102 - Loss of function is a known mechanism of disease in this gene and is associated with phenylketonuria (MIM#261600). (I) 0106 - This gene is associated with autosomal recessive disease. (I) 0200 - Variant is predicted to result in a missense amino acid change from arginine to glutamine. (I) 0251 - This variant is heterozygous. (I) 0304 - Variant is present in gnomAD (v2) <0.01 for a recessive condition (61 heterozygotes, 0 homozygotes). (SP) 0309 - An alternative amino acid change at the same position has been observed in gnomAD (v2) (1 heterozygote, 0 homozygotes). (I) 0501 - Missense variant consistently predicted to be damaging by multiple in silico tools or highly conserved with a major amino acid change. (SP) 0600 - Variant is located in the annotated biopterin_H domain (DECIPHER). (I) 0801 - This variant has strong previous evidence of pathogenicity in unrelated individuals. This variant is classified as pathogenic by an expert panel in ClinVar and has been observed as homozygous or compound heterozygous in individuals with classical PKU, and also in some individuals with mild PKU (PMID: 26666653). (SP) Legend: (SP) - Supporting pathogenic, (I) - Information, (SB) - Supporting benign

Mayo Clinic Laboratories, Mayo Clinic
Classification: Pathogenic. Last evaluated: 2024-02-13. Review status: criteria provided, single submitter. Criteria: ACMG Guidelines, 2015. Collection method: clinical testing. Allele origin: germline. Observed: 5 variant alleles. Not counted in ClinVar's aggregate classification.
Comment: PP3, PP4_moderate, PM3_very_strong, PS3

Laboratory of Medical Genetics, National & Kapodistrian University of Athens
Classification: Pathogenic for Phenylketonuria. Last evaluated: 2024-02-01. Review status: criteria provided, single submitter. Criteria: ACMG Guidelines, 2015. Collection method: curation. Allele origin: germline. Affected: no. Not counted in ClinVar's aggregate classification.

Cellular and Molecular Research Center, Cellular and Molecular Medicine Research Institute,, Urmia University of Medical Sciences
Classification: Uncertain significance for Phenylketonuria. Last evaluated: 2023-09-19. Review status: criteria provided, single submitter. Criteria: Zastrow et al. (Hum Mutat. 2018). Collection method: clinical testing. Allele origin: inherited. Inheritance: Autosomal recessive inheritance. Affected: yes. Not counted in ClinVar's aggregate classification.
Comment: uncertain (or unknown) significance

Neuberg Centre For Genomic Medicine, NCGM
Classification: Pathogenic for Phenylketonuria. Last evaluated: 2023-06-22. Review status: criteria provided, single submitter. Criteria: ACMG Guidelines, 2015. Collection method: clinical testing. Allele origin: germline. Inheritance: Autosomal recessive inheritance. Affected: yes. Not counted in ClinVar's aggregate classification.
Comment: The missense c.782G>A (p.Arg261Gln) variant in PAH gene has been reported previously in compound heterozygous state in multiple individuals affected with phenylketonuria (Jeannesson-Thivisol et al. 2015; Wang et al., 2007;). Experimental studies show this variant produced very low levels of PAH activity (Danecka et al. 2015; Jeannesson-Thivisol et al. 2015). The p.Arg261Gln variant is present with an allele frequency of 0.02% in the gnomAD exomes database. This variant has been submitted to the ClinVar database as Likely Pathogenic / Pathogenic (multiple submissions). Multiple lines of computational evidence (Polyphen - probably damaging, SIFT - damaging and MutationTaster - disease causing) predict a damaging effect on protein structure and function for this variant. The reference amino acid at this position on PAH gene is predicted as conserved by GERP++ and PhyloP across 100 vertebrates. The amino acid Arg at position 261 is changed to a Gln changing protein sequence and it might alter its composition and physico-chemical properties. For these reasons, this variant has been classified as Pathogenic.

Department of Pathology and Laboratory Medicine, Sinai Health System
Classification: Pathogenic for Phenylketonuria. Last evaluated: 2023-05-12. Review status: criteria provided, single submitter. Criteria: ACMG Guidelines, 2015. Collection method: research. Allele origin: germline. Not counted in ClinVar's aggregate classification.

GeneDx
Classification: Pathogenic. Last evaluated: 2021-10-01. Review status: criteria provided, single submitter. Criteria: GeneDx Variant Classification Process June 2021. Collection method: clinical testing. Allele origin: germline. Affected: yes. Not counted in ClinVar's aggregate classification.
Comment: In silico analysis, which includes protein predictors and evolutionary conservation, supports a deleterious effect; This variant is associated with the following publications: (PMID: 25087612, 23559577, 19036622, 12655546, 10479481, 30747360, 26655635, 26759449, 26919687, 24401910, 25596310, 21953985, 2574153, 24296287, 26803807, 27682710, 11999982, 25750018, 27264808, 28676969, 22975760, 23500595, 9323556, 19194782, 29499199, 30037505, 27121329, 21527427, 8825928, 30963030, 31355225, 31028937, 30275481, 34426522, 31589614, 32905092, 33101986, 8188310, 32853555, 1915502, 1677425, 32778825, 33465300, 29288420, 8445616, 33375644, 17935162, 2014036, 8487271)

Kariminejad - Najmabadi Pathology & Genetics Center
Classification: Pathogenic. Last evaluated: 2021-07-10. Review status: criteria provided, single submitter. Criteria: ACMG Guidelines, 2015. Collection method: clinical testing. Allele origin: germline. Not counted in ClinVar's aggregate classification.

New York Genome Center
Classification: Pathogenic for Phenylketonuria. Last evaluated: 2020-07-10. Review status: criteria provided, single submitter. Criteria: NYGC Assertion Criteria 2020. Collection method: clinical testing. Allele origin: germline. Affected: no. Observed: 1 heterozygote. Study: CSER-NYCKidSeq. Not counted in ClinVar's aggregate classification.

Myriad Genetics, Inc.
Classification: Likely pathogenic for Phenylketonuria. Last evaluated: 2019-11-12. Review status: criteria provided, single submitter. Criteria: Myriad Women's Health Autosomal Recessive and X-Linked Classification Criteria (2019). Collection method: clinical testing. Allele origin: unknown. Not counted in ClinVar's aggregate classification.
Comment: NM_000277.1(PAH):c.782G>A(R261Q) is classified as likely pathogenic in the context of phenylalanine hydroxylase deficiency. Please note that the R261Q variant can be associated with classic or variant PKU. Sources cited for classification include the following: PMID 12409276, 23792259, 2574153, 8889590, 19394257, 22513348, 17935162, 12655546, 15557004 and 10479481. Classification of NM_000277.1(PAH):c.782G>A(R261Q) is based on the following criteria: This variant has been observed more frequently in patients with clinical diagnoses than in healthy populations. Please note: this variant was assessed in the context of healthy population screening.

Quest Diagnostics Nichols Institute San Juan Capistrano
Classification: Pathogenic. Last evaluated: 2019-09-13. Review status: criteria provided, single submitter. Criteria: Quest Diagnostics criteria. Collection method: clinical testing. Allele origin: unknown. Not counted in ClinVar's aggregate classification.
Comment: Found in at least one patient with expected phenotype for this gene. Predicted to have a damaging effect on the protein. In multiple individuals, this variant has been seen with a single recessive pathogenic variant in the same gene, suggesting this variant may also be pathogenic. Assessment of experimental evidence suggests this variant results in abnormal protein function.

Mendelics
Classification: Pathogenic for Phenylketonuria. Last evaluated: 2019-05-28. Review status: criteria provided, single submitter. Criteria: Mendelics Assertion Criteria 2017. Collection method: clinical testing. Allele origin: unknown. Not counted in ClinVar's aggregate classification.

Knight Diagnostic Laboratories, Oregon Health and Sciences University
Classification: Pathogenic for Phenylketonuria. Last evaluated: 2017-10-04. Review status: criteria provided, single submitter. Criteria: ACMG Guidelines, 2015. Collection method: clinical testing. Allele origin: germline. Observed: 1 variant allele. Not counted in ClinVar's aggregate classification.

Fulgent Genetics
Classification: Pathogenic for Phenylketonuria. Last evaluated: 2017-05-18. Review status: criteria provided, single submitter. Criteria: ACMG Guidelines, 2015. Collection method: clinical testing. Allele origin: unknown. Not counted in ClinVar's aggregate classification.